The following is an entry in ClinVar:

NM_000458.4(HNF1B):c.684C>G (p.Asn228Lys)

Genes: HNF1B (HNF1 homeobox B; minus strand), LOC126862549 (BRD4-independent group 4 enhancer GRCh37_chr17:36093401-36094600; plus strand). Cytogenetic location: 17q12.
Variant type: single nucleotide variant.
Coding change: c.684C>G on transcript NM_000458.4 (MANE Select); coding-DNA position 684, C replaced by G.
Protein change: p.Asn228Lys; replaces asparagine 228 with lysine.
Molecular consequence: missense variant.
Genome position (GRCh38, 1-based): chr17:37,733,682, G>C on the plus strand (C>G on the coding strand, the complement: HNF1B is on the minus strand). VCF-style: chr17-37733682-G-C. GRCh37 (hg19) VCF-style: chr17-36093675-G-C.
Other names: c.606C>G, p.Asn202Lys (NM_001165923.4, NM_001304286.2); short protein forms N228K, N202K.
Identifiers: ClinVar variation 256209 (VCV000256209.33), dbSNP rs202151409, ClinGen allele CA8519029.

ClinVar aggregate classification (germline): Benign/Likely benign. Review status: criteria provided, multiple submitters, no conflicts (2 of 4 stars). 12 submissions from 12 submitters: Benign (7); Likely benign (5). Last evaluated 2026-08-01.

Conditions:
Maturity-onset diabetes of the young (MODY). Also called: Maturity onset diabetes mellitus in young. Identifiers: Orphanet 552, MedGen C0342276, MONDO:0018911, HP:0004904.
Renal cysts and diabetes syndrome (RCAD). Also called: Familial hypoplastic, glomerulocystic kidney; MATURITY-ONSET DIABETES OF THE YOUNG, TYPE 5. Identifiers: Orphanet 93111, MedGen C0431693, MONDO:0007669, OMIM 137920.

Allele frequency attached by ClinVar (database versions not stated): ESP Exome Variant Server 0.00015; gnomAD exomes 0.00044; gnomAD 0.00067; ExAC 0.00133; TOPMed 0.00145.

Submissions (12):

CeGaT Center for Human Genetics Tuebingen
Classification: Benign. Last evaluated: 2026-08-01. Review status: criteria provided, single submitter. Criteria: CeGaT Center For Human Genetics Tuebingen Variant Classification Criteria Version 2. Collection method: clinical testing. Allele origin: germline. Affected: yes. Observed: 2 variant alleles.
Comment: HNF1B: BS1, BS2

Labcorp Genetics (formerly Invitae), Labcorp
Classification: Benign. Last evaluated: 2026-02-02. Review status: criteria provided, single submitter. Criteria: Invitae Variant Classification Sherloc (09022015). Collection method: clinical testing. Allele origin: germline.

Athena Diagnostics
Classification: Benign. Last evaluated: 2025-01-21. Review status: criteria provided, single submitter. Criteria: Athena Diagnostics Criteria. Collection method: clinical testing. Allele origin: unknown.
Comment: The frequency of this variant in the general population is higher than would generally be expected for pathogenic variants in this gene. This variant has been seen where an alternate explanation for disease was also identified.

Blueprint Genetics
Classification: Likely benign. Last evaluated: 2024-06-27. Review status: criteria provided, single submitter. Criteria: ACMG Guidelines, 2015. Collection method: clinical testing. Allele origin: germline.

ARUP Laboratories, Molecular Genetics and Genomics, ARUP Laboratories
Classification: Likely benign. Last evaluated: 2023-06-28. Review status: criteria provided, single submitter. Criteria: ARUP Molecular Germline Variant Investigation Process 2024. Collection method: clinical testing. Allele origin: germline.

Ambry Genetics
Classification: Benign for Maturity-onset diabetes of the young. Last evaluated: 2020-02-19. Review status: criteria provided, single submitter. Criteria: Ambry Variant Classification Scheme 2023. Collection method: clinical testing. Allele origin: germline.

Institute of Human Genetics, FAU Erlangen, Friedrich-Alexander-Universität Erlangen-Nürnberg
Classification: Likely benign for Renal cysts and diabetes syndrome. Last evaluated: 2019-07-06. Review status: criteria provided, single submitter. Criteria: ACMG Guidelines, 2015. Collection method: literature only. Allele origin: germline. Affected: yes.
Comment: This variant and it's classification has been reported by Vasileiou et al. 2019; DOI:10.1101/576918. The variants has previously been reported in PMID:25500806 as "E3: c.684C>G (p.Asn228Lys) (INH) " with clinical significance Pathogenic. It has been re-classified using InterVar and manual curation as Likely benign based on PM1 BS1 BP6.

GeneDx
Classification: Benign. Last evaluated: 2018-12-07. Review status: criteria provided, single submitter. Criteria: GeneDx Variant Classification Process June 2021. Collection method: clinical testing. Allele origin: germline. Affected: yes.
Comment: This variant is associated with the following publications: (PMID: 25500806)

Illumina Laboratory Services, Illumina
Classification: Likely benign for Renal cysts and diabetes syndrome. Last evaluated: 2017-04-28. Review status: criteria provided, single submitter. Criteria: ICSL Variant Classification Criteria 13 December 2019. Collection method: clinical testing. Allele origin: germline.
Comment: This variant was observed as part of a predisposition screen in an ostensibly healthy population. A literature search was performed for the gene, cDNA change, and amino acid change (where applicable). Publications were found based on this search. The evidence from the literature, in combination with allele frequency data from public databases where available, was sufficient to determine this variant is unlikely to cause disease. Therefore, this variant is classified as likely benign.

Eurofins Ntd Llc (ga)
Classification: Benign. Last evaluated: 2016-02-05. Review status: criteria provided, single submitter. Criteria: EGL Classification Definitions 2015. Collection method: clinical testing. Allele origin: germline. Observed: 1 variant allele, 1 homozygote.

Breakthrough Genomics
Classification: Likely benign. Review status: criteria provided, single submitter. Criteria: ACMG Guidelines, 2015. Collection method: not provided. Allele origin: germline. Inheritance: Autosomal dominant inheritance. Affected: yes.

PreventionGenetics, part of Exact Sciences
Classification: Benign. Review status: criteria provided, single submitter. Criteria: ACMG Guidelines, 2015. Collection method: clinical testing. Allele origin: germline.

Literature cited by the submitters: PubMed 25705165 (cited by Athena Diagnostics and Illumina Laboratory Services, Illumina); PubMed 25500806 (cited by 3 submitters); PubMed 19228875 (cited by Athena Diagnostics and Illumina Laboratory Services, Illumina); PubMed 10868855 (cited by Athena Diagnostics); DOI 10.1101/576918 (cited by Institute of Human Genetics, FAU Erlangen, Friedrich-Alexander-Universität Erlangen-Nürnberg).